The following is an entry in ClinVar:

ClinVar aggregate classification (germline): Benign. Review status: criteria provided, multiple submitters, no conflicts (2 of 4 stars). 2 submissions from 2 submitters: Benign (2). Last evaluated 2018-01-12.

Conditions:
Leukocyte adhesion deficiency type II. Also called: CONGENITAL DISORDER OF GLYCOSYLATION, TYPE IIc; CDG IIc; Congenital disorder of glycosylation type 2C; CDG 2C; Leukocyte adhesion deficiency type 2; Rambam Hasharon syndrome. Identifiers: Orphanet 2968, Orphanet 99843, MedGen C0398739, MONDO:0009953, OMIM 266265.

Allele frequency attached by ClinVar (database versions not stated): gnomAD exomes 0.03362; gnomAD 0.07536 and 0.07780; TOPMed 0.08913; 1000 Genomes Project 0.09964; 1000 Genomes Project 30x 0.10369.
gnomAD v4.1: 16,541 of 305,278 alleles (5.4%); highest among the groups gnomAD compares: African/African-American, 18%; 1,123 homozygotes.

Submissions (2):

Illumina Laboratory Services, Illumina
Classification: Benign for Leukocyte adhesion deficiency type II. Last evaluated: 2018-01-12. Review status: criteria provided, single submitter. Criteria: ICSL Variant Classification Criteria 13 December 2019. Collection method: clinical testing. Allele origin: germline.
Comment: This variant was observed in the ICSL laboratory as part of a predisposition screen in an ostensibly healthy population. It had not been previously curated by ICSL or reported in the Human Gene Mutation Database (HGMD: prior to June 1st, 2018), and was therefore a candidate for classification through an automated scoring system. Utilizing variant allele frequency, disease prevalence and penetrance estimates, and inheritance mode, an automated score was calculated to assess if this variant is too frequent to cause the disease. Based on the score and internal cut-off values, a variant classified as benign is not then subjected to further curation. The score for this variant resulted in a classification of benign for this disease.

Breakthrough Genomics
Classification: Benign. Review status: criteria provided, single submitter. Criteria: ACMG Guidelines, 2015. Collection method: not provided. Allele origin: germline. Inheritance: Autosomal recessive inheritance. Affected: yes.

NM_018389.5(SLC35C1):c.*1580C>T

Gene: SLC35C1 (solute carrier family 35 member C1; plus strand). Cytogenetic location: 11p11.2.
Variant type: single nucleotide variant.
Coding change: c.*1580C>T on transcript NM_018389.5 (MANE Select); 1580 bases downstream of the stop codon, C replaced by T.
Molecular consequence: 3 prime UTR variant.
Genome position (GRCh38, 1-based): chr11:45,812,915, C>T. VCF-style: chr11-45812915-C-T. GRCh37 (hg19) VCF-style: chr11-45834466-C-T.
Other names: c.*1580C>T (NM_001145265.2, NM_001145266.2).
Identifiers: ClinVar variation 304768 (VCV000304768.6), dbSNP rs10838518, ClinGen allele CA10639184.